The following is an entry in ClinVar:

NM_001783.4(CD79A):c.650A>T (p.Asn217Ile)

Genes: CD79A (CD79a molecule; plus strand), RPS19-CD79A (RPS19-CD79A readthrough; plus strand). Cytogenetic location: 19q13.2.
Variant type: single nucleotide variant.
Coding change: c.650A>T on transcript NM_001783.4 (MANE Select); coding-DNA position 650, A replaced by T.
Protein change: p.Asn217Ile; replaces asparagine 217 with isoleucine.
Molecular consequence: missense variant.
Genome position (GRCh38, 1-based): chr19:41,880,949, A>T. VCF-style: chr19-41880949-A-T. GRCh37 (hg19) VCF-style: chr19-42385016-A-T.
Other names: c.536A>T, p.Asn179Ile (NM_021601.4); short protein forms N179I, N217I.
Identifiers: ClinVar variation 1348743 (VCV001348743.5), dbSNP rs1027659418, ClinGen allele CA308575001.

ClinVar aggregate classification (germline): Uncertain significance (1 of 4 stars; one submission).

Conditions:
Agammaglobulinemia 3, autosomal recessive (AGM3). Also called: AGAMMAGLOBULINEMIA 3; AGAMMAGLOBULINEMIA, AUTOSOMAL RECESSIVE, DUE TO CD79A DEFECT. Identifiers: MedGen C3150751, MONDO:0013288, OMIM 613501.

Allele frequency attached by ClinVar (database versions not stated): gnomAD exomes below 0.00001 and 0.00001; gnomAD 0.00001; TOPMed 0.00001.

Submission:

Labcorp Genetics (formerly Invitae), Labcorp
Classification: Uncertain significance for Agammaglobulinemia 3, autosomal recessive. Last evaluated: 2022-07-26. Review status: criteria provided, single submitter. Criteria: Invitae Variant Classification Sherloc (09022015). Collection method: clinical testing. Allele origin: germline.
Comment: This sequence change replaces asparagine, which is neutral and polar, with isoleucine, which is neutral and non-polar, at codon 217 of the CD79A protein (p.Asn217Ile). The frequency data for this variant in the population databases is considered unreliable, as metrics indicate poor data quality at this position in the gnomAD database. This variant has not been reported in the literature in individuals affected with CD79A-related conditions. ClinVar contains an entry for this variant (Variation ID: 1348743). Algorithms developed to predict the effect of missense changes on protein structure and function are either unavailable or do not agree on the potential impact of this missense change (SIFT: "Deleterious"; PolyPhen-2: "Benign"; Align-GVGD: "Class C0"). In summary, the available evidence is currently insufficient to determine the role of this variant in disease. Therefore, it has been classified as a Variant of Uncertain Significance.